The following is an entry in ClinVar:

ClinVar aggregate classification (germline): Uncertain significance (1 of 4 stars; one submission).

Conditions:
Neuropathy, hereditary sensory and autonomic, type 2A (HSAN2A). Also called: ACROOSTEOLYSIS, GIACCAI TYPE; ACROOSTEOLYSIS, NEUROGENIC; MORVAN DISEASE; NEUROPATHY, CONGENITAL SENSORY; NEUROPATHY, HEREDITARY SENSORY RADICULAR, AUTOSOMAL RECESSIVE; NEUROPATHY, HEREDITARY SENSORY, TYPE IIA. Identifiers: Orphanet 970, MedGen C2752089, MONDO:0024309, OMIM 201300.
Pseudohypoaldosteronism type 2C (PHA2C). Also called: Pseudohypoaldosteronism Type IIC. Identifiers: Orphanet 757, Orphanet 88940, MedGen C1840391, MONDO:0013778, OMIM 614492.

Submission:

Labcorp Genetics (formerly Invitae), Labcorp
Classification: Uncertain significance for Neuropathy, hereditary sensory and autonomic, type 2A; Pseudohypoaldosteronism type 2C. Last evaluated: 2021-06-28. Review status: criteria provided, single submitter. Criteria: Invitae Variant Classification Sherloc (09022015). Collection method: clinical testing. Allele origin: germline.
Comment: This variant has not been reported in the literature in individuals affected with WNK1-related conditions. The frequency data for this variant in the population databases is considered unreliable, as metrics indicate insufficient coverage at this position in the ExAC database. This sequence change creates a premature translational stop signal (p.Ser721*) in the WNK1 gene. However, it is currently unclear if variants that occur in this region of the gene cause disease. In summary, the available evidence is currently insufficient to determine the role of this variant in disease. Therefore, it has been classified as a Variant of Uncertain Significance.

NM_213655.5(WNK1):c.2162C>A (p.Ser721Ter)

Gene: WNK1 (WNK lysine deficient protein kinase 1; plus strand). Cytogenetic location: 12p13.33.
Variant type: single nucleotide variant.
Coding change: c.2162C>A on transcript NM_213655.5 (MANE Plus Clinical); coding-DNA position 2162, C replaced by A.
Protein change: p.Ser721Ter; replaces serine 721 with a stop codon.
Molecular consequence: nonsense. On other transcripts: intron variant (3).
Genome position (GRCh38, 1-based): chr12:865,132, C>A. VCF-style: chr12-865132-C-A. GRCh37 (hg19) VCF-style: chr12-974298-C-A.
Other names: c.2140-2734C>A (NM_001184985.2); c.2139+2862C>A (NM_018979.4, NM_014823.3); short protein forms S721*.
Identifiers: ClinVar variation 1464674 (VCV001464674.6), dbSNP rs556259173, ClinGen allele CA383337496.